The following is an entry in ClinVar:

NM_007294.4(BRCA1):c.163A>T (p.Lys55Ter)

Gene: BRCA1 (BRCA1 DNA repair associated; minus strand). Cytogenetic location: 17q21.31.
Variant type: single nucleotide variant.
Coding change: c.163A>T on transcript NM_007294.4 (MANE Select); coding-DNA position 163, A replaced by T.
Protein change: p.Lys55Ter; replaces lysine 55 with a stop codon.
Molecular consequence: nonsense. On other transcripts: non-coding transcript variant (1).
Genome position (GRCh38, 1-based): chr17:43,106,505, T>A on the plus strand (A>T on the coding strand, the complement: BRCA1 is on the minus strand). VCF-style: chr17-43106505-T-A. GRCh37 (hg19) VCF-style: chr17-41258522-T-A.
Other names: c.-26A>T (NM_001407571.1, NM_001407853.1, NM_001407879.1 and 58 more transcripts); c.163A>T, p.Lys55Ter (NM_001407581.1, NM_001407582.1, NM_001407583.1 and 168 more transcripts); c.22A>T, p.Lys8Ter (NM_001407692.1, NM_001407694.1, NM_001407695.1 and 99 more transcripts); short protein forms K8*, K55*.
Identifiers: ClinVar variation 865217 (VCV000865217.3), dbSNP rs2054787010, ClinGen allele CA10601830.

Conditions:
Breast-ovarian cancer, familial, susceptibility to, 1 (BROVCA1). Also called: BRCA1 Hereditary Breast and Ovarian Cancer; OVARIAN CANCER, SUSCEPTIBILITY TO. Identifiers: Orphanet 145, MedGen C2676676, MONDO:0011450, OMIM 604370. Disease mechanism: loss of function.

Submission:

Brotman Baty Institute, University of Washington
No classification provided (evidence only). Condition: Breast-ovarian cancer, familial 1. Review status: no classification provided. Collection method: in vitro. Allele origin: not applicable. Functional consequence: functionally_abnormal.
ClinVar note: "not provided" was previously submitted as the classification for the variant. However, the classification appeared to be based only on an observation of functional data so it was converted to no classification on 2025-07-30.